The following is an entry in ClinVar:

ClinVar aggregate classification (germline): Benign. Review status: criteria provided, multiple submitters, no conflicts (2 of 4 stars). 2 submissions from 2 submitters: Benign (2). Last evaluated 2018-01-13.

Conditions:
Junctional epidermolysis bullosa. Identifiers: Orphanet 305, MedGen C0079301, MONDO:0017612.

Allele frequency attached by ClinVar (database versions not stated): TOPMed 0.04293; 1000 Genomes Project 0.02117; 1000 Genomes Project 30x 0.02124; gnomAD 0.04494 and 0.04604.

Submissions (2):

Illumina Laboratory Services, Illumina
Classification: Benign for Junctional epidermolysis bullosa. Last evaluated: 2018-01-13. Review status: criteria provided, single submitter. Criteria: ICSL Variant Classification Criteria 13 December 2019. Collection method: clinical testing. Allele origin: germline.
Comment: This variant was observed in the ICSL laboratory as part of a predisposition screen in an ostensibly healthy population. It had not been previously curated by ICSL or reported in the Human Gene Mutation Database (HGMD: prior to June 1st, 2018), and was therefore a candidate for classification through an automated scoring system. Utilizing variant allele frequency, disease prevalence and penetrance estimates, and inheritance mode, an automated score was calculated to assess if this variant is too frequent to cause the disease. Based on the score and internal cut-off values, a variant classified as benign is not then subjected to further curation. The score for this variant resulted in a classification of benign for this disease.

Breakthrough Genomics
Classification: Benign. Review status: criteria provided, single submitter. Criteria: ACMG Guidelines, 2015. Collection method: not provided. Allele origin: germline. Inheritance: Autosomal recessive inheritance. Affected: yes.

NM_005562.3(LAMC2):c.*746G>T

Gene: LAMC2 (laminin subunit gamma 2; plus strand). Cytogenetic location: 1q25.3.
Variant type: single nucleotide variant.
Coding change: c.*746G>T on transcript NM_005562.3 (MANE Select); 746 bases downstream of the stop codon, G replaced by T.
Molecular consequence: 3 prime UTR variant.
Genome position (GRCh38, 1-based): chr1:183,244,146, G>T. VCF-style: chr1-183244146-G-T. GRCh37 (hg19) VCF-style: chr1-183213281-G-T.
Identifiers: ClinVar variation 294032 (VCV000294032.6), dbSNP rs587387, ClinGen allele CA10608940.